The following is an entry in ClinVar:

ClinVar aggregate classification (germline): Uncertain significance. Review status: criteria provided, multiple submitters, no conflicts (2 of 4 stars). 2 submissions from 2 submitters: Uncertain significance (2). Last evaluated 2025-04-20.

Conditions:
Inborn genetic diseases. Identifiers: MedGen C0950123, MeSH D030342.

Allele frequency attached by ClinVar (database versions not stated): gnomAD exomes below 0.00001.
gnomAD v4.1: 16 of 1,580,084 alleles (0.001%); highest among the groups gnomAD compares: African/African-American, 0.017%; no homozygotes.

Submissions (2):

Ambry Genetics
Classification: Uncertain significance for Inborn genetic diseases. Last evaluated: 2025-04-20. Review status: criteria provided, single submitter. Criteria: Ambry Variant Classification Scheme 2023. Collection method: clinical testing. Allele origin: germline.

Labcorp Genetics (formerly Invitae), Labcorp
Classification: Uncertain significance. Last evaluated: 2025-01-13. Review status: criteria provided, single submitter. Criteria: Invitae Variant Classification Sherloc (09022015). Collection method: clinical testing. Allele origin: germline.
Comment: This sequence change replaces proline, which is neutral and non-polar, with serine, which is neutral and polar, at codon 3348 of the CDH23 protein (p.Pro3348Ser). This variant is present in population databases (rs745358868, gnomAD 0.01%). This variant has not been reported in the literature in individuals affected with CDH23-related conditions. ClinVar contains an entry for this variant (Variation ID: 1420292). Invitae Evidence Modeling of protein sequence and biophysical properties (such as structural, functional, and spatial information, amino acid conservation, physicochemical variation, residue mobility, and thermodynamic stability) has been performed for this missense variant. However, the output from this modeling did not meet the statistical confidence thresholds required to predict the impact of this variant on CDH23 protein function. In summary, the available evidence is currently insufficient to determine the role of this variant in disease. Therefore, it has been classified as a Variant of Uncertain Significance.

NM_022124.6(CDH23):c.10042C>T (p.Pro3348Ser)

Gene: CDH23 (cadherin related 23; plus strand). Cytogenetic location: 10q22.1.
Variant type: single nucleotide variant.
Coding change: c.10042C>T on transcript NM_022124.6 (MANE Select); coding-DNA position 10042, C replaced by T.
Protein change: p.Pro3348Ser; replaces proline 3348 with serine.
Molecular consequence: missense variant.
Genome position (GRCh38, 1-based): chr10:71,815,255, C>T. VCF-style: chr10-71815255-C-T. GRCh37 (hg19) VCF-style: chr10-73575012-C-T.
Other names: c.3322C>T, p.Pro1108Ser (NM_001171933.1); c.3217C>T, p.Pro1073Ser (NM_001171934.1); c.733C>T, p.Pro245Ser (NM_001171935.1); c.628C>T, p.Pro210Ser (NM_001171936.1); c.10042C>T (NM_022124.5); short protein forms P210S, P1073S, P1108S, P245S, P3348S.
Identifiers: ClinVar variation 1420292 (VCV001420292.8), dbSNP rs745358868, ClinGen allele CA5547254.